The following is an entry in ClinVar:

NM_000264.5(PTCH1):c.3209T>G (p.Met1070Arg)

Gene: PTCH1 (patched 1; minus strand). Cytogenetic location: 9q22.32.
Variant type: single nucleotide variant.
Coding change: c.3209T>G on transcript NM_000264.5 (MANE Select); coding-DNA position 3209, T replaced by G.
Protein change: p.Met1070Arg; replaces methionine 1070 with arginine.
Molecular consequence: missense variant. On other transcripts: non-coding transcript variant (1).
Genome position (GRCh38, 1-based): chr9:95,456,373, A>C on the plus strand (T>G on the coding strand, the complement: PTCH1 is on the minus strand). VCF-style: chr9-95456373-A-C. GRCh37 (hg19) VCF-style: chr9-98218655-A-C.
Other names: c.3209T>G (NM_000264.3); c.3011T>G, p.Met1004Arg (NM_001083602.3); c.3206T>G, p.Met1069Arg (NM_001083603.3); c.2756T>G, p.Met919Arg (NM_001083604.3, NM_001083605.3, NM_001083606.3 and 1 more transcripts); c.3053T>G, p.Met1018Arg (NM_001354918.2); short protein forms M919R, M1004R, M1069R, M1070R, M1018R.
Identifiers: ClinVar variation 1434391 (VCV001434391.9), dbSNP rs2136649542, ClinGen allele CA374112149.

ClinVar aggregate classification (germline): Uncertain significance. Review status: criteria provided, multiple submitters, no conflicts (2 of 4 stars). 2 submissions from 2 submitters: Uncertain significance (2). Last evaluated 2022-09-06.

Conditions:
Gorlin syndrome. Also called: Basal cell nevus syndrome; Nevoid Basal Cell Carcinoma Syndrome. Identifiers: Orphanet 377, MedGen C0004779, MONDO:0007187.
Hereditary cancer-predisposing syndrome. Also called: Neoplastic Syndromes, Hereditary; Hereditary Cancer Syndrome; Tumor predisposition; Hereditary neoplastic syndrome. Identifiers: Orphanet 140162, MedGen C0027672, MeSH D009386, MONDO:0015356.

Submissions (2):

Ambry Genetics
Classification: Uncertain significance for Hereditary cancer-predisposing syndrome. Last evaluated: 2022-09-06. Review status: criteria provided, single submitter. Criteria: Ambry Variant Classification Scheme 2023. Collection method: clinical testing. Allele origin: germline.
Comment: The c.3209T>G (p.M1070R) alteration is located in exon 19 (coding exon 19) of the PTCH1 gene. This alteration results from a T to G substitution at nucleotide position 3209, causing the methionine (M) at amino acid position 1070 to be replaced by an arginine (R). This variant was not reported in population-based cohorts in the Genome Aggregation Database (gnomAD). This alteration was detected in an individual with basal cell carcinoma on one cheek who did not meet diagnostic criteria for Gorlin syndrome (Huang, 2013). This amino acid position is well conserved in available vertebrate species. This alteration is predicted to be deleterious by in silico analysis. Based on insufficient or conflicting evidence, the clinical significance of this alteration remains unclear.

Labcorp Genetics (formerly Invitae), Labcorp
Classification: Uncertain significance for Gorlin syndrome. Last evaluated: 2021-06-26. Review status: criteria provided, single submitter. Criteria: Invitae Variant Classification Sherloc (09022015). Collection method: clinical testing. Allele origin: germline.
Comment: In summary, the available evidence is currently insufficient to determine the role of this variant in disease. Therefore, it has been classified as a Variant of Uncertain Significance. This variant has not been reported in the literature in individuals with PTCH1-related conditions. Advanced modeling of protein sequence and biophysical properties (such as structural, functional, and spatial information, amino acid conservation, physicochemical variation, residue mobility, and thermodynamic stability) performed at Invitae indicates that this missense variant is not expected to disrupt PTCH1 protein function. This variant is not present in population databases (ExAC no frequency). This sequence change replaces methionine with arginine at codon 1070 of the PTCH1 protein (p.Met1070Arg). The methionine residue is moderately conserved and there is a moderate physicochemical difference between methionine and arginine.

Literature cited by the submitters: PubMed 22313357 (cited by Ambry Genetics).